The following is an entry in ClinVar:

NM_032578.4(MYPN):c.2703+3A>T

Gene: MYPN (myopalladin; plus strand). Cytogenetic location: 10q21.3.
Variant type: single nucleotide variant.
Coding change: c.2703+3A>T on transcript NM_032578.4 (MANE Select); 3 bases into the intron after coding-DNA position 2703, A replaced by T.
Molecular consequence: intron variant.
Genome position (GRCh38, 1-based): chr10:68,175,464, A>T. VCF-style: chr10-68175464-A-T. GRCh37 (hg19) VCF-style: chr10-69935221-A-T.
Other names: c.2703+3A>T (NM_001256267.2); c.1821+3A>T (NM_001256268.2).
Identifiers: ClinVar variation 2186187 (VCV002186187.4), dbSNP rs2495806081, ClinGen allele CA2574562454.
Genomic context (GRCh38, chr10:68,175,464, plus strand): 5'-AGTGATTCGAGACTTGGGGAAAAAAATAACTTTCAGTGATGTCAGACCAAACCAGCAGGT[A>T]AGATTGTTGGATTTAGAAGGTTTATTGAAATTTTATTGTAAGGAATTTAATTTTGCTTGA-3'

ClinVar aggregate classification (germline): Uncertain significance (1 of 4 stars; one submission).

Conditions:
Dilated cardiomyopathy 1KK (CMD1KK). Identifiers: Orphanet 154, Orphanet 75249, MedGen C3714995, MONDO:0014100, OMIM 615248.

Allele frequency attached by ClinVar (database versions not stated): gnomAD exomes below 0.00001.
gnomAD v4.1: 1 of 1,614,052 alleles (0.000062%); highest among the groups gnomAD compares: Non-Finnish European, 0.000085%; no homozygotes.

Submission:

Labcorp Genetics (formerly Invitae), Labcorp
Classification: Uncertain significance for Dilated cardiomyopathy 1KK. Last evaluated: 2022-07-25. Review status: criteria provided, single submitter. Criteria: Invitae Variant Classification Sherloc (09022015). Collection method: clinical testing. Allele origin: germline.
Comment: In summary, the available evidence is currently insufficient to determine the role of this variant in disease. Therefore, it has been classified as a Variant of Uncertain Significance. Variants that disrupt the consensus splice site are a relatively common cause of aberrant splicing (PMID: 17576681, 9536098). Algorithms developed to predict the effect of sequence changes on RNA splicing suggest that this variant may disrupt the consensus splice site. This variant has not been reported in the literature in individuals affected with MYPN-related conditions. This variant is not present in population databases (gnomAD no frequency). This sequence change falls in intron 12 of the MYPN gene. It does not directly change the encoded amino acid sequence of the MYPN protein. It affects a nucleotide within the consensus splice site.

Literature cited by the submitters: PubMed 17576681; PubMed 9536098.